The following is an entry in ClinVar:

ClinVar aggregate classification (germline): Pathogenic (1 of 4 stars; one submission).

Conditions:
Duchenne muscular dystrophy (DMD). Also called: MUSCULAR DYSTROPHY, PSEUDOHYPERTROPHIC PROGRESSIVE, DUCHENNE TYPE; Duchenne Muscular Dystrophy (DMD). Identifiers: Orphanet 98896, MedGen C0013264, MONDO:0010679, OMIM 310200.

Submission:

Labcorp Genetics (formerly Invitae), Labcorp
Classification: Pathogenic for Duchenne muscular dystrophy. Last evaluated: 2020-08-20. Review status: criteria provided, single submitter. Criteria: Invitae Variant Classification Sherloc (09022015). Collection method: clinical testing. Allele origin: germline.
Comment: For these reasons, this variant has been classified as Pathogenic. Loss-of-function variants in DMD are known to be pathogenic (PMID: 16770791, 25007885). This variant has been observed in individual(s) with Duchenne muscular dystrophy (PMID: 25482253). This variant is an out-of-frame deletion of the genomic region encompassing exon(s) 2-16 of the DMD gene. This is expected to create a premature translational stop signal and result in an absent or disrupted protein product.

Literature cited by the submitters: PubMed 16770791; PubMed 25007885; PubMed 25482253.

NC_000023.10:g.(?_32583809)_(33038327_?)del

Gene: DMD (dystrophin; minus strand). Cytogenetic location: Xp21.1.
Variant type: Deletion.
Identifiers: ClinVar variation 1069567 (VCV001069567.8).